The following is an entry in ClinVar:

NM_001113378.2(FANCI):c.3007-7A>G

Gene: FANCI (FA complementation group I; plus strand). Cytogenetic location: 15q26.1.
Variant type: single nucleotide variant.
Coding change: c.3007-7A>G on transcript NM_001113378.2 (MANE Select); 7 bases into the intron before coding-DNA position 3007, A replaced by G.
Molecular consequence: intron variant.
Genome position (GRCh38, 1-based): chr15:89,303,857, A>G. VCF-style: chr15-89303857-A-G. GRCh37 (hg19) VCF-style: chr15-89847088-A-G.
Other names: c.2827-7A>G (NM_018193.3); c.3007-7A>G (NM_001376911.1); c.2728-7A>G (NM_001376910.1).
Identifiers: ClinVar variation 1655429 (VCV001655429.11), dbSNP rs778906473, ClinGen allele CA7723556.

ClinVar aggregate classification (germline): Likely benign. Review status: criteria provided, multiple submitters, no conflicts (2 of 4 stars). 3 submissions from 3 submitters: Likely benign (3). Last evaluated 2025-12-23.

Conditions:
Fanconi anemia (FA). Also called: Fanconi's anemia. Identifiers: Orphanet 84, MedGen C0015625, MeSH D005199, MONDO:0019391.
Fanconi anemia complementation group I (FANCI). Also called: FANCI-Related Fanconi Anemia. Identifiers: Orphanet 84, MedGen C1836861, MONDO:0012186, OMIM 609053.

Allele frequency attached by ClinVar (database versions not stated): ExAC 0.00001; gnomAD 0.00005 and 0.00007; TOPMed 0.00014; gnomAD exomes 0.00001.
gnomAD v4.1: 24 of 1,613,130 alleles (0.0015%); highest among the groups gnomAD compares: Admixed American, 0.023%; no homozygotes.

Submissions (3):

Dasa
Classification: Likely benign. Last evaluated: 2025-12-23. Review status: criteria provided, single submitter. Criteria: DASA Assertion Criteria. Collection method: clinical testing. Allele origin: germline.
Comment: NM_001113378.2(FANCI):c.3007-7A>G is a splice-region variant. The variant context is inconsistent with a known disease-causing mechanism. Computational prediction algorithms are consistent with a benign effect. Therefore, based on the currently available evidence, this variant is classified as likely benign.

Labcorp Genetics (formerly Invitae), Labcorp
Classification: Likely benign for Fanconi anemia. Last evaluated: 2025-12-17. Review status: criteria provided, single submitter. Criteria: Invitae Variant Classification Sherloc (09022015). Collection method: clinical testing. Allele origin: germline.

Fulgent Genetics
Classification: Likely benign for Fanconi anemia complementation group I. Last evaluated: 2022-05-12. Review status: criteria provided, single submitter. Criteria: ACMG Guidelines, 2015. Collection method: clinical testing. Allele origin: unknown.